The following is an entry in ClinVar:

ClinVar aggregate classification (germline): Uncertain significance (1 of 4 stars; one submission).

Conditions:
Charcot-Marie-Tooth disease type 4. Also called: Charcot-Marie-Tooth disease, type IV; Charcot-Marie-Tooth, Type 4. Identifiers: Orphanet 64749, MedGen C4082197, MONDO:0018995.

Submission:

Labcorp Genetics (formerly Invitae), Labcorp
Classification: Uncertain significance for Charcot-Marie-Tooth disease type 4. Last evaluated: 2022-05-31. Review status: criteria provided, single submitter. Criteria: Invitae Variant Classification Sherloc (09022015). Collection method: clinical testing. Allele origin: germline.
Comment: Algorithms developed to predict the effect of missense changes on protein structure and function output the following: SIFT: "Deleterious"; PolyPhen-2: "Probably Damaging"; Align-GVGD: "Class C0". The serine amino acid residue is found in multiple mammalian species, which suggests that this missense change does not adversely affect protein function. This sequence change replaces arginine, which is basic and polar, with serine, which is neutral and polar, at codon 367 of the FIG4 protein (p.Arg367Ser). This variant is not present in population databases (gnomAD no frequency). This variant has not been reported in the literature in individuals affected with FIG4-related conditions. In summary, the available evidence is currently insufficient to determine the role of this variant in disease. Therefore, it has been classified as a Variant of Uncertain Significance.

NM_014845.6(FIG4):c.1101G>T (p.Arg367Ser)

Gene: FIG4 (FIG4 phosphoinositide 5-phosphatase; plus strand). Cytogenetic location: 6q21.
Variant type: single nucleotide variant.
Coding change: c.1101G>T on transcript NM_014845.6 (MANE Select); coding-DNA position 1101, G replaced by T.
Protein change: p.Arg367Ser; replaces arginine 367 with serine.
Molecular consequence: missense variant.
Genome position (GRCh38, 1-based): chr6:109,743,736, G>T. VCF-style: chr6-109743736-G-T. GRCh37 (hg19) VCF-style: chr6-110064939-G-T.
Other names: short protein forms R367S.
Identifiers: ClinVar variation 2001333 (VCV002001333.4), dbSNP rs1184723463, ClinGen allele CA365222420.